The following is an entry in ClinVar:

NM_002241.5(KCNJ10):c.265G>A (p.Val89Ile)

Gene: KCNJ10 (potassium inwardly rectifying channel subfamily J member 10; minus strand). Cytogenetic location: 1q23.2.
Variant type: single nucleotide variant.
Coding change: c.265G>A on transcript NM_002241.5 (MANE Select); coding-DNA position 265, G replaced by A.
Protein change: p.Val89Ile; replaces valine 89 with isoleucine.
Molecular consequence: missense variant.
Genome position (GRCh38, 1-based): chr1:160,042,268, C>T on the plus strand (G>A on the coding strand, the complement: KCNJ10 is on the minus strand). VCF-style: chr1-160042268-C-T. GRCh37 (hg19) VCF-style: chr1-160012058-C-T.
Other names: short protein forms V89I.
Identifiers: ClinVar variation 2123957 (VCV002123957.4), dbSNP rs2525430906, ClinGen allele CA343229106.

ClinVar aggregate classification (germline): Uncertain significance (1 of 4 stars; one submission).

Conditions:
EAST syndrome (SESAMES). Also called: SEIZURES, SENSORINEURAL DEAFNESS, ATAXIA, IMPAIRED INTELLECTUAL DEVELOPMENT, AND ELECTROLYTE IMBALANCE. Identifiers: Orphanet 199343, MedGen C2748572, MONDO:0013005, OMIM 612780.

Allele frequency attached by ClinVar (database versions not stated): gnomAD exomes below 0.00001.
gnomAD v4.1: 1 of 1,614,082 alleles (0.000062%); highest among the groups gnomAD compares: Admixed American, 0.0017%; no homozygotes.

Submission:

Labcorp Genetics (formerly Invitae), Labcorp
Classification: Uncertain significance for EAST syndrome. Last evaluated: 2025-04-07. Review status: criteria provided, single submitter. Criteria: Invitae Variant Classification Sherloc (09022015). Collection method: clinical testing. Allele origin: germline.
Comment: This sequence change replaces valine, which is neutral and non-polar, with isoleucine, which is neutral and non-polar, at codon 89 of the KCNJ10 protein (p.Val89Ile). This variant is not present in population databases (gnomAD no frequency). This variant has not been reported in the literature in individuals affected with KCNJ10-related conditions. ClinVar contains an entry for this variant (Variation ID: 2123957). Invitae Evidence Modeling of protein sequence and biophysical properties (such as structural, functional, and spatial information, amino acid conservation, physicochemical variation, residue mobility, and thermodynamic stability) indicates that this missense variant is not expected to disrupt KCNJ10 protein function with a negative predictive value of 95%. In summary, the available evidence is currently insufficient to determine the role of this variant in disease. Therefore, it has been classified as a Variant of Uncertain Significance.